The following is an entry in ClinVar:

ClinVar aggregate classification (germline): Uncertain significance (1 of 4 stars; one submission).

gnomAD v4.1: 2 of 1,612,412 alleles (0.00012%); highest among the groups gnomAD compares: South Asian, 0.0011%; no homozygotes.

Submission:

Labcorp Genetics (formerly Invitae), Labcorp
Classification: Uncertain significance. Last evaluated: 2025-09-14. Review status: criteria provided, single submitter. Criteria: Invitae Variant Classification Sherloc (09022015). Collection method: clinical testing. Allele origin: germline.
Comment: This sequence change replaces proline, which is neutral and non-polar, with serine, which is neutral and polar, at codon 1242 of the RIMS1 protein (p.Pro1242Ser). This variant is present in population databases (rs533157284, gnomAD 0.003%). This variant has not been reported in the literature in individuals affected with RIMS1-related conditions. An algorithm developed to predict the effect of missense changes on protein structure and function (PolyPhen-2) suggests that this variant is likely to be disruptive. In summary, the available evidence is currently insufficient to determine the role of this variant in disease. Therefore, it has been classified as a Variant of Uncertain Significance.

NM_014989.7(RIMS1):c.3724C>T (p.Pro1242Ser)

Gene: RIMS1 (regulating synaptic membrane exocytosis 1; plus strand). Cytogenetic location: 6q13.
Variant type: single nucleotide variant.
Coding change: c.3724C>T on transcript NM_014989.7 (MANE Select); coding-DNA position 3724, C replaced by T.
Protein change: p.Pro1242Ser; replaces proline 1242 with serine.
Molecular consequence: missense variant. On other transcripts: intron variant (56).
Genome position (GRCh38, 1-based): chr6:72,290,848, C>T. VCF-style: chr6-72290848-C-T. GRCh37 (hg19) VCF-style: chr6-73000551-C-T.
Other names: c.1798C>T, p.Pro600Ser (NM_001350420.2); c.1780C>T, p.Pro594Ser (NM_001350431.2); c.1867C>T, p.Pro623Ser (NM_001350438.2, NM_001350456.2); c.1870C>T, p.Pro624Ser (NM_001350442.2, NM_001350446.2); c.1729C>T, p.Pro577Ser (NM_001350462.2); c.1632-1086C>T (NM_001350428.2); c.1560-1086C>T (NM_001350459.2, NM_001350424.2); c.1641-1086C>T (NM_001350437.2); and 31 more; short protein forms P1242S, P594S, P600S, P577S, P624S, P623S.
Identifiers: ClinVar variation 4737537 (VCV004737537.1).
Genomic context (GRCh38, chr6:72,290,848, plus strand): 5'-AGTATCAGAACACTGTGTTCTATGCACCACCTTGTCCCTGGAGGGTCGGCGCCACCTTCT[C>T]CGCTTCTGACAAGGTCGCTATTCAGTGTCCCCCTCAGCATTCATGTCCTGCCTCCGGGTG-3'
Protein context (NP_055804.2, residues 1232-1252): LVPGGSAPPS[Pro1242Ser]LLTRMHRQRS